The following is an entry in ClinVar:

NM_001378120.1(MBD5):c.308A>G (p.Lys103Arg)

Gene: MBD5 (methyl-CpG binding domain protein 5; plus strand). Cytogenetic location: 2q23.1.
Variant type: single nucleotide variant.
Coding change: c.308A>G on transcript NM_001378120.1 (MANE Select); coding-DNA position 308, A replaced by G.
Protein change: p.Lys103Arg; replaces lysine 103 with arginine.
Molecular consequence: missense variant.
Genome position (GRCh38, 1-based): chr2:148,463,830, A>G. VCF-style: chr2-148463830-A-G. GRCh37 (hg19) VCF-style: chr2-149221399-A-G.
Other names: c.308A>G, p.Lys103Arg (NM_018328.5); short protein forms K103R.
Identifiers: ClinVar variation 2779145 (VCV002779145.3), dbSNP rs1707174087, ClinGen allele CA348716517.

ClinVar aggregate classification (germline): Uncertain significance (1 of 4 stars; one submission).

Conditions:
Intellectual developmental disorder, autosomal dominant 1. Also called: MBD5 Haploinsufficiency; Intellectual disability, autosomal dominant 1. Identifiers: Orphanet 228402, MedGen C1969562, MONDO:0007974, OMIM 156200.

Allele frequency attached by ClinVar (database versions not stated): TOPMed below 0.00001.

Submission:

Labcorp Genetics (formerly Invitae), Labcorp
Classification: Uncertain significance for Intellectual developmental disorder, autosomal dominant 1. Last evaluated: 2024-01-19. Review status: criteria provided, single submitter. Criteria: Invitae Variant Classification Sherloc (09022015). Collection method: clinical testing. Allele origin: germline.
Comment: This sequence change replaces lysine, which is basic and polar, with arginine, which is basic and polar, at codon 103 of the MBD5 protein (p.Lys103Arg). This variant is not present in population databases (gnomAD no frequency). This variant has not been reported in the literature in individuals affected with MBD5-related conditions. Advanced modeling of protein sequence and biophysical properties (such as structural, functional, and spatial information, amino acid conservation, physicochemical variation, residue mobility, and thermodynamic stability) performed at Invitae indicates that this missense variant is not expected to disrupt MBD5 protein function with a negative predictive value of 80%. In summary, the available evidence is currently insufficient to determine the role of this variant in disease. Therefore, it has been classified as a Variant of Uncertain Significance.